The following is an entry in ClinVar:

NM_004304.5(ALK):c.2152G>A (p.Gly718Ser)

Gene: ALK (ALK receptor tyrosine kinase; minus strand). Cytogenetic location: 2p23.2.
Variant type: single nucleotide variant.
Coding change: c.2152G>A on transcript NM_004304.5 (MANE Select); coding-DNA position 2152, G replaced by A.
Protein change: p.Gly718Ser; replaces glycine 718 with serine.
Molecular consequence: missense variant.
Genome position (GRCh38, 1-based): chr2:29,251,157, C>T on the plus strand (G>A on the coding strand, the complement: ALK is on the minus strand). VCF-style: chr2-29251157-C-T. GRCh37 (hg19) VCF-style: chr2-29474023-C-T.
Other names: short protein forms G718S.
Identifiers: ClinVar variation 4827095 (VCV004827095.1).

ClinVar aggregate classification (germline): Uncertain significance (1 of 4 stars; one submission).

Conditions:
Hereditary cancer-predisposing syndrome. Also called: Neoplastic Syndromes, Hereditary; Tumor predisposition; Hereditary Cancer Syndrome; Hereditary neoplastic syndrome. Identifiers: Orphanet 140162, MedGen C0027672, MeSH D009386, MONDO:0015356.

gnomAD v4.1: 1 of 1,614,172 alleles (0.000062%); no homozygotes.

Submission:

Ambry Genetics
Classification: Uncertain significance for Hereditary cancer-predisposing syndrome. Last evaluated: 2026-02-24. Review status: criteria provided, single submitter. Criteria: Ambry Variant Classification Scheme 2023. Collection method: clinical testing. Allele origin: germline.
Comment: The p.G718S variant (also known as c.2152G>A), located in coding exon 12 of the ALK gene, results from a G to A substitution at nucleotide position 2152. The glycine at codon 718 is replaced by serine, an amino acid with similar properties. This amino acid position is conserved. In addition, the in silico prediction for this alteration is inconclusive. Based on the available evidence, the clinical significance of this variant remains unclear.